The following is an entry in ClinVar:

ClinVar aggregate classification (germline): Uncertain significance (1 of 4 stars; one submission).

Conditions:
Cardiovascular phenotype. Identifiers: MedGen CN230736.

gnomAD v4.1: 2 of 1,613,688 alleles (0.00012%); highest among the groups gnomAD compares: African/African-American, 0.0013%; no homozygotes.

Submission:

Ambry Genetics
Classification: Uncertain significance for Cardiovascular phenotype. Last evaluated: 2026-02-19. Review status: criteria provided, single submitter. Criteria: Ambry Variant Classification Scheme 2023. Collection method: clinical testing. Allele origin: germline.
Comment: The p.G591E variant (also known as c.1772G>A), located in coding exon 13 of the ABCA1 gene, results from a G to A substitution at nucleotide position 1772. The glycine at codon 591 is replaced by glutamic acid, an amino acid with similar properties. This amino acid position is conserved. In addition, this alteration is predicted to be deleterious by in silico analysis. Based on the available evidence, the clinical significance of this variant remains unclear.

NM_005502.4(ABCA1):c.1772G>A (p.Gly591Glu)

Gene: ABCA1 (ATP binding cassette subfamily A member 1; minus strand). Cytogenetic location: 9q31.1.
Variant type: single nucleotide variant.
Coding change: c.1772G>A on transcript NM_005502.4 (MANE Select); coding-DNA position 1772, G replaced by A.
Protein change: p.Gly591Glu; replaces glycine 591 with glutamic acid.
Molecular consequence: missense variant.
Genome position (GRCh38, 1-based): chr9:104,831,045, C>T on the plus strand (G>A on the coding strand, the complement: ABCA1 is on the minus strand). VCF-style: chr9-104831045-C-T. GRCh37 (hg19) VCF-style: chr9-107593326-C-T.
Other names: short protein forms G591E.
Identifiers: ClinVar variation 4825564 (VCV004825564.1).
Genomic context (GRCh38, chr9:104,831,045, plus strand): 5'-GTGCCCGTCAGCACCCTGATGATTGCCTGCTCCACCACATCCTGCAAGTAGGCGAAGCCC[C>T]CCCAGACGTACCGCATGTCCTCAAAGGGGTCAGCTCGAGGACCAGGGTCCCAGTACCTAA-3'
Protein context (NP_005493.2, residues 581-601): DPFEDMRYVW[Gly591Glu]GFAYLQDVVE